The following is an entry in ClinVar:

NM_015046.7(SETX):c.5066A>G (p.Asn1689Ser)

Gene: SETX (senataxin; minus strand). Cytogenetic location: 9q34.13.
Variant type: single nucleotide variant.
Coding change: c.5066A>G on transcript NM_015046.7 (MANE Select); coding-DNA position 5066, A replaced by G.
Protein change: p.Asn1689Ser; replaces asparagine 1689 with serine.
Molecular consequence: missense variant.
Genome position (GRCh38, 1-based): chr9:132,326,532, T>C on the plus strand (A>G on the coding strand, the complement: SETX is on the minus strand). VCF-style: chr9-132326532-T-C. GRCh37 (hg19) VCF-style: chr9-135201919-T-C.
Other names: c.5066A>G, p.Asn1689Ser (NM_001351527.2, NM_001351528.2); short protein forms N1689S.
Identifiers: ClinVar variation 3753925 (VCV003753925.2).

ClinVar aggregate classification (germline): Uncertain significance (1 of 4 stars; one submission).

Conditions:
Amyotrophic lateral sclerosis type 4 (ALS4). Also called: AMYOTROPHIC LATERAL SCLEROSIS 4, JUVENILE; NEURONOPATHY, DISTAL HEREDITARY MOTOR, WITH PYRAMIDAL FEATURES. Identifiers: Orphanet 357043, MedGen C1865409, MONDO:0011223, OMIM 602433.
Spinocerebellar ataxia, autosomal recessive, with axonal neuropathy 2 (SCAN2). Also called: ATAXIA-OCULOMOTOR APRAXIA 2; Ataxia with Oculomotor Apraxia Type 2; Ataxia-ocular apraxia-2; Ataxia with Oculomotor Apraxia. Identifiers: Orphanet 64753, MedGen C1853761, MONDO:0018996, OMIM 606002.

Submission:

Labcorp Genetics (formerly Invitae), Labcorp
Classification: Uncertain significance for Amyotrophic lateral sclerosis type 4; Spinocerebellar ataxia, autosomal recessive, with axonal neuropathy 2. Last evaluated: 2024-10-03. Review status: criteria provided, single submitter. Criteria: Invitae Variant Classification Sherloc (09022015). Collection method: clinical testing. Allele origin: germline.
Comment: This sequence change replaces asparagine, which is neutral and polar, with serine, which is neutral and polar, at codon 1689 of the SETX protein (p.Asn1689Ser). This variant is not present in population databases (gnomAD no frequency). This variant has not been reported in the literature in individuals affected with SETX-related conditions. Invitae Evidence Modeling of protein sequence and biophysical properties (such as structural, functional, and spatial information, amino acid conservation, physicochemical variation, residue mobility, and thermodynamic stability) indicates that this missense variant is not expected to disrupt SETX protein function with a negative predictive value of 95%. Algorithms developed to predict the effect of sequence changes on RNA splicing suggest that this variant may create or strengthen a splice site. In summary, the available evidence is currently insufficient to determine the role of this variant in disease. Therefore, it has been classified as a Variant of Uncertain Significance.